The following is an entry in ClinVar:

NM_033380.3(COL4A5):c.1226G>C (p.Gly409Ala)

Gene: COL4A5 (collagen type IV alpha 5 chain; plus strand). Cytogenetic location: Xq22.3.
Variant type: single nucleotide variant.
Coding change: c.1226G>C on transcript NM_033380.3 (MANE Select); coding-DNA position 1226, G replaced by C.
Protein change: p.Gly409Ala; replaces glycine 409 with alanine.
Molecular consequence: missense variant.
Genome position (GRCh38, 1-based): chrX:108,591,118, G>C. VCF-style: chrX-108591118-G-C. GRCh37 (hg19) VCF-style: chrX-107834348-G-C.
Other names: c.1226G>C, p.Gly409Ala (NM_000495.5); short protein forms G409A.
Identifiers: ClinVar variation 1179155 (VCV001179155.2), dbSNP rs104886101, ClinGen allele CA413932460.

ClinVar aggregate classification (germline): Likely pathogenic (1 of 4 stars; one submission).

Conditions:
X-linked Alport syndrome (ATS1). Also called: COL4A5-Related Nephropathy; NEPHROPATHY AND DEAFNESS, X-LINKED. Identifiers: Orphanet 63, Orphanet 88917, MedGen C4746986, MONDO:0010520, OMIM 301050.

Submission:

Fulgent Genetics
Classification: Likely pathogenic for X-linked Alport syndrome. Last evaluated: 2021-06-30. Review status: criteria provided, single submitter. Criteria: ACMG Guidelines, 2015. Collection method: clinical testing. Allele origin: unknown.
Comment: This variant has been detected in individual(s) who were sent for testing of Renasight - kidney gene panel.